The following is an entry in ClinVar:

NM_000969.5(RPL5):c.344T>C (p.Met115Thr)

Genes: DIPK1A (divergent protein kinase domain 1A; minus strand), RPL5 (ribosomal protein L5; plus strand). Cytogenetic location: 1p22.1.
Variant type: single nucleotide variant.
Coding change: c.344T>C on transcript NM_000969.5 (MANE Select); coding-DNA position 344, T replaced by C.
Protein change: p.Met115Thr; replaces methionine 115 with threonine.
Molecular consequence: missense variant. On other transcripts: intron variant (1).
Genome position (GRCh38, 1-based): chr1:92,836,209, T>C. VCF-style: chr1-92836209-T-C. GRCh37 (hg19) VCF-style: chr1-93301766-T-C.
Other names: c.475-3175A>G (NM_001252273.2); short protein forms M115T.
Identifiers: ClinVar variation 1470854 (VCV001470854.8), dbSNP rs1687118423, ClinGen allele CA341241934.

ClinVar aggregate classification (germline): Uncertain significance. Review status: criteria provided, multiple submitters, no conflicts (2 of 4 stars). 2 submissions from 2 submitters: Uncertain significance (2). Last evaluated 2025-05-05.

Conditions:
Diamond-Blackfan anemia. Also called: Blackfan Diamond syndrome; Aregenerative anemia chronic congenital; Red cell aplasia, pure hereditary; Congenital hypoplastic anemia; Aase syndrome. Identifiers: Orphanet 124, MedGen C1260899, MeSH D029503, MONDO:0015253, HP:0004810.
Diamond-Blackfan anemia 6 (DBA6). Also called: RPL5-Related Diamond-Blackfan Anemia. Identifiers: Orphanet 124, MedGen C2931850, MONDO:0012937, OMIM 612561.

Allele frequency attached by ClinVar (database versions not stated): gnomAD exomes below 0.00001.
gnomAD v4.1: 3 of 1,612,636 alleles (0.00019%); highest among the groups gnomAD compares: Non-Finnish European, 0.00025%; no homozygotes.

Submissions (2):

Labcorp Genetics (formerly Invitae), Labcorp
Classification: Uncertain significance for Diamond-Blackfan anemia. Last evaluated: 2025-05-05. Review status: criteria provided, single submitter. Criteria: Invitae Variant Classification Sherloc (09022015). Collection method: clinical testing. Allele origin: germline.
Comment: This sequence change replaces methionine, which is neutral and non-polar, with threonine, which is neutral and polar, at codon 115 of the RPL5 protein (p.Met115Thr). This variant is not present in population databases (gnomAD no frequency). This variant has not been reported in the literature in individuals affected with RPL5-related conditions. ClinVar contains an entry for this variant (Variation ID: 1470854). Invitae Evidence Modeling of protein sequence and biophysical properties (such as structural, functional, and spatial information, amino acid conservation, physicochemical variation, residue mobility, and thermodynamic stability) indicates that this missense variant is not expected to disrupt RPL5 protein function with a negative predictive value of 80%. In summary, the available evidence is currently insufficient to determine the role of this variant in disease. Therefore, it has been classified as a Variant of Uncertain Significance.

Fulgent Genetics
Classification: Uncertain significance for Diamond-Blackfan anemia 6. Last evaluated: 2024-05-20. Review status: criteria provided, single submitter. Criteria: ACMG Guidelines, 2015. Collection method: clinical testing. Allele origin: germline.